The following is an entry in ClinVar:

NM_004612.4(TGFBR1):c.680A>C (p.Glu227Ala)

Gene: TGFBR1 (transforming growth factor beta receptor 1; plus strand). Cytogenetic location: 9q22.33.
Variant type: single nucleotide variant.
Coding change: c.680A>C on transcript NM_004612.4 (MANE Select); coding-DNA position 680, A replaced by C.
Protein change: p.Glu227Ala; replaces glutamic acid 227 with alanine.
Molecular consequence: missense variant. On other transcripts: non-coding transcript variant (4), intron variant (2).
Genome position (GRCh38, 1-based): chr9:99,137,964, A>C. VCF-style: chr9-99137964-A-C. GRCh37 (hg19) VCF-style: chr9-101900246-A-C.
Other names: c.449A>C, p.Glu150Ala (NM_001130916.3); c.692A>C, p.Glu231Ala (NM_001306210.2, NM_001407416.1); c.680A>C, p.Glu227Ala (NM_001407417.1); c.485A>C, p.Glu162Ala (NM_001407418.1, NM_001407419.1, NM_001407420.1 and 1 more transcripts); c.473A>C, p.Glu158Ala (NM_001407423.1, NM_001407424.1, NM_001407425.1 and 8 more transcripts); c.434A>C, p.Glu145Ala (NM_001407436.1); c.203A>C, p.Glu68Ala (NM_001407438.1); c.575-4572A>C (NM_001407435.1); and 1 more; short protein forms E145A, E150A, E158A, E162A, E227A, E231A, E68A.
Identifiers: ClinVar variation 3069891 (VCV003069891.1), dbSNP rs772339721, ClinGen allele CA374229661.

ClinVar aggregate classification (germline): Uncertain significance (1 of 4 stars; one submission).

Conditions:
Loeys-Dietz syndrome (LDS). Identifiers: Orphanet 60030, MedGen C2697932, MONDO:0018954.

Submission:

All of Us Research Program, National Institutes of Health
Classification: Uncertain significance for Loeys-Dietz syndrome. Last evaluated: 2023-03-28. Review status: criteria provided, single submitter. Criteria: ACMG Guidelines, 2015. Collection method: clinical testing. Allele origin: germline. Inheritance: Autosomal dominant inheritance. Observed: 1 variant allele, 1 heterozygote.
Comment: This study involves interpretation of variants in research participants for the purpose of population health screening. Participant phenotype was not available at the time of variant classification. Additional details can be found in publication PMID: 35346344, PMCID: PMC8962531